The following is an entry in ClinVar:

ClinVar aggregate classification (germline): Uncertain significance (1 of 4 stars; one submission).

Conditions:
Hereditary cancer-predisposing syndrome. Also called: Neoplastic Syndromes, Hereditary; Tumor predisposition; Hereditary Cancer Syndrome; Hereditary neoplastic syndrome. Identifiers: Orphanet 140162, MedGen C0027672, MeSH D009386, MONDO:0015356.

gnomAD v4.1: 1 of 1,568,546 alleles (0.000064%); highest among the groups gnomAD compares: South Asian, 0.0012%; no homozygotes.

Submission:

Ambry Genetics
Classification: Uncertain significance for Hereditary cancer-predisposing syndrome. Last evaluated: 2026-04-13. Review status: criteria provided, single submitter. Criteria: Ambry Variant Classification Scheme 2023. Collection method: clinical testing. Allele origin: germline.
Comment: The p.P213L variant (also known as c.638C>T), located in coding exon 4 of the RET gene, results from a C to T substitution at nucleotide position 638. The proline at codon 213 is replaced by leucine, an amino acid with similar properties. This amino acid position is conserved. In addition, this alteration is predicted to be tolerated by in silico analysis. Based on the available evidence, the clinical significance of this variant remains unclear.

NM_020975.6(RET):c.638C>T (p.Pro213Leu)

Gene: RET (ret proto-oncogene; plus strand). Cytogenetic location: 10q11.21.
Variant type: single nucleotide variant.
Coding change: c.638C>T on transcript NM_020975.6 (MANE Select); coding-DNA position 638, C replaced by T.
Protein change: p.Pro213Leu; replaces proline 213 with leucine.
Molecular consequence: missense variant. On other transcripts: 5 prime UTR variant (1), intron variant (22).
Genome position (GRCh38, 1-based): chr10:43,104,964, C>T. VCF-style: chr10-43104964-C-T. GRCh37 (hg19) VCF-style: chr10-43600412-C-T.
Other names: c.-125C>T (NM_001355216.2); c.638C>T, p.Pro213Leu (NM_001406743.1, NM_001406744.1, NM_001406759.1 and 6 more transcripts); c.509C>T, p.Pro170Leu (NM_001406761.1, NM_001406762.1, NM_001406764.1 and 2 more transcripts); c.350C>T, p.Pro117Leu (NM_001406766.1, NM_001406767.1, NM_001406770.1); c.625+2335C>T (NM_001406773.1, NM_001406771.1, NM_001406782.1 and 5 more transcripts); c.496+2335C>T (NM_001406786.1, NM_001406783.1); c.338-4067C>T (NM_001406778.1, NM_001406775.1, NM_001406776.1 and 1 more transcripts); c.337+4242C>T (NM_001406790.1, NM_001406788.1, NM_001406789.1 and 1 more transcripts); and 2 more; short protein forms P117L, P170L, P213L.
Identifiers: ClinVar variation 4863259 (VCV004863259.1).